The following is an entry in ClinVar:

ClinVar aggregate classification (germline): Benign (1 of 4 stars; one submission).

Conditions:
APC-Associated Polyposis Disorders.

Allele frequency attached by ClinVar (database versions not stated): gnomAD exomes 0.00018; gnomAD 0.00119 and 0.00126; TOPMed 0.00134; 1000 Genomes Project 0.00319; 1000 Genomes Project 30x 0.00344.
gnomAD v4.1: 226 of 394,442 alleles (0.057%); highest among the groups gnomAD compares: African/African-American, 0.44%; no homozygotes.

Submission:

Illumina Laboratory Services, Illumina
Classification: Benign for APC-Associated Polyposis Disorders. Last evaluated: 2018-01-13. Review status: criteria provided, single submitter. Criteria: ICSL Variant Classification Criteria 13 December 2019. Collection method: clinical testing. Allele origin: germline.
Comment: This variant was observed in the ICSL laboratory as part of a predisposition screen in an ostensibly healthy population. It had not been previously curated by ICSL or reported in the Human Gene Mutation Database (HGMD: prior to June 1st, 2018), and was therefore a candidate for classification through an automated scoring system. Utilizing variant allele frequency, disease prevalence and penetrance estimates, and inheritance mode, an automated score was calculated to assess if this variant is too frequent to cause the disease. Based on the score and internal cut-off values, a variant classified as benign is not then subjected to further curation. The score for this variant resulted in a classification of benign for this disease.

NM_000038.6(APC):c.*266C>A

Gene: APC (APC regulator of Wnt signaling pathway; plus strand). Cytogenetic location: 5q22.2.
Variant type: single nucleotide variant.
Coding change: c.*266C>A on transcript NM_000038.6 (MANE Select); 266 bases downstream of the stop codon, C replaced by A.
Molecular consequence: 3 prime UTR variant.
Genome position (GRCh38, 1-based): chr5:112,844,392, C>A. VCF-style: chr5-112844392-C-A. GRCh37 (hg19) VCF-style: chr5-112180089-C-A.
Other names: c.*266C>A (NM_001127510.3, NM_001127511.3, NM_001354895.2 and 11 more transcripts).
Identifiers: ClinVar variation 350428 (VCV000350428.5), dbSNP rs191347307, ClinGen allele CA10619878.